The following is an entry in ClinVar:

ClinVar aggregate classification (germline): Uncertain significance. Review status: criteria provided, multiple submitters, no conflicts (2 of 4 stars). 2 submissions from 2 submitters: Uncertain significance (2). Last evaluated 2023-08-01.

Conditions:
Spermatogenic failure 18. Identifiers: MedGen C4539783, MONDO:0054615, OMIM 617576.
Ciliary dyskinesia, primary, 37 (CILD37). Also called: CILIARY DYSKINESIA, PRIMARY, 37, WITH OR WITHOUT SITUS INVERSUS. Identifiers: MedGen C4539798, MONDO:0033204, OMIM 617577.

Allele frequency attached by ClinVar (database versions not stated): TOPMed below 0.00001.
gnomAD v4.1: 1 of 1,613,980 alleles (0.000062%); highest among the groups gnomAD compares: South Asian, 0.0011%; no homozygotes.

Submissions (2):

Blueprint Genetics
Classification: Uncertain significance. Last evaluated: 2023-08-01. Review status: criteria provided, single submitter. Criteria: ACMG Guidelines, 2015. Collection method: clinical testing. Allele origin: germline.

Labcorp Genetics (formerly Invitae), Labcorp
Classification: Uncertain significance for Ciliary dyskinesia, primary, 37; Spermatogenic failure 18. Last evaluated: 2022-05-30. Review status: criteria provided, single submitter. Criteria: Invitae Variant Classification Sherloc (09022015). Collection method: clinical testing. Allele origin: germline.
Comment: This sequence change replaces alanine, which is neutral and non-polar, with threonine, which is neutral and polar, at codon 1712 of the DNAH1 protein (p.Ala1712Thr). This variant is not present in population databases (gnomAD no frequency). This variant has not been reported in the literature in individuals affected with DNAH1-related conditions. Algorithms developed to predict the effect of missense changes on protein structure and function output the following: SIFT: "Tolerated"; PolyPhen-2: "Benign"; Align-GVGD: "Class C0". The threonine amino acid residue is found in multiple mammalian species, which suggests that this missense change does not adversely affect protein function. In summary, the available evidence is currently insufficient to determine the role of this variant in disease. Therefore, it has been classified as a Variant of Uncertain Significance.

NM_015512.5(DNAH1):c.5134G>A (p.Ala1712Thr)

Gene: DNAH1 (dynein axonemal heavy chain 1; plus strand). Cytogenetic location: 3p21.1.
Variant type: single nucleotide variant.
Coding change: c.5134G>A on transcript NM_015512.5 (MANE Select); coding-DNA position 5134, G replaced by A.
Protein change: p.Ala1712Thr; replaces alanine 1712 with threonine.
Molecular consequence: missense variant.
Genome position (GRCh38, 1-based): chr3:52,363,034, G>A. VCF-style: chr3-52363034-G-A. GRCh37 (hg19) VCF-style: chr3-52397050-G-A.
Other names: short protein forms A1712T.
Identifiers: ClinVar variation 2139366 (VCV002139366.2), dbSNP rs1351201826, ClinGen allele CA353139480.